The following is an entry in ClinVar:

ClinVar aggregate classification (germline): Uncertain significance (1 of 4 stars; one submission).

Conditions:
Glycogen storage disease due to phosphoglycerate kinase 1 deficiency. Also called: PHOSPHOGLYCERATE KINASE 1 DEFICIENCY WITH LEVO-DOPA-RESPONSIVE PARKINSONISM; PGK1 DEFICIENCY. Identifiers: Orphanet 713, MedGen C1970848, MONDO:0010392, OMIM 300653.

Submission:

Neuberg Centre For Genomic Medicine, NCGM
Classification: Uncertain significance for Glycogen storage disease due to phosphoglycerate kinase 1 deficiency. Review status: criteria provided, single submitter. Criteria: ACMG Guidelines, 2015. Collection method: clinical testing. Allele origin: germline. Inheritance: Autosomal dominant inheritance. Affected: yes.
Comment: The missense c.482A>C (p.Tyr161Ser) variant in PGK1 gene has not been reported previously as a pathogenic variant nor as a benign variant, to our knowledge. The p.Tyr161Ser variant is absent in gnomAD Exomes. This variant has not been submitted to the ClinVar database. Multiple lines of computational evidence (Polyphen - Probably Damaging, SIFT - Damaging and MutationTaster - Disease causing) predict a damaging effect on protein structure and function for this variant. The reference amino acid at this position in PGK1 is predicted as conserved by GERP++ and PhyloP across 100 vertebrates. The amino acid Tyr at position 161 is changed to a Ser changing protein sequence and it might alter its composition and physico-chemical properties. For these reasons, this variant has been classified as a Variant of Uncertain Significance (VUS). The above variant in PGK1 gene was previously reported in hemizygous state in affected child.

NM_000291.4(PGK1):c.482A>C (p.Tyr161Ser)

Gene: PGK1 (phosphoglycerate kinase 1; plus strand). Cytogenetic location: Xq21.1.
Variant type: single nucleotide variant.
Coding change: c.482A>C on transcript NM_000291.4 (MANE Select); coding-DNA position 482, A replaced by C.
Protein change: p.Tyr161Ser; replaces tyrosine 161 with serine.
Molecular consequence: missense variant.
Genome position (GRCh38, 1-based): chrX:78,117,376, A>C. VCF-style: chrX-78117376-A-C. GRCh37 (hg19) VCF-style: chrX-77372873-A-C.
Other names: short protein forms Y161S.
Identifiers: ClinVar variation 3731530 (VCV003731530.1).